The following is an entry in ClinVar:

NM_001378743.1(CYLD):c.1327C>T (p.Gln443Ter)

Gene: CYLD (CYLD lysine 63 deubiquitinase; plus strand). Cytogenetic location: 16q12.1.
Variant type: single nucleotide variant.
Coding change: c.1327C>T on transcript NM_001378743.1 (MANE Select); coding-DNA position 1327, C replaced by T.
Protein change: p.Gln443Ter; replaces glutamine 443 with a stop codon.
Molecular consequence: nonsense. On other transcripts: non-coding transcript variant (1).
Genome position (GRCh38, 1-based): chr16:50,779,853, C>T. VCF-style: chr16-50779853-C-T. GRCh37 (hg19) VCF-style: chr16-50813764-C-T.
Other names: c.1318C>T, p.Gln440Ter (NM_001042355.2, NM_001042412.3, NM_001378744.1 and 6 more transcripts); c.1288C>T, p.Gln430Ter (NM_001378751.1, NM_001378752.1, NM_001378753.1); c.652C>T, p.Gln218Ter (NM_001378754.1, NM_001378755.1); c.1327C>T, p.Gln443Ter (NM_015247.3); short protein forms Q443*, Q440*, Q218*, Q430*.
Identifiers: ClinVar variation 267233 (VCV000267233.1), dbSNP rs764952788, ClinGen allele CA10590070.
Genomic context (GRCh38, chr16:50,779,853, plus strand): 5'-CTCACCAAGATGCCCAATACCAATGGAAGTATTGGCCACAGTCCACTTTCTCTGTCAGCC[C>T]AGTCTGTAATGGAAGAGCTAAACACTGCACCCGTCCAAGAGAGTCCACCCTTGGCCATGC-3'

ClinVar aggregate classification (germline): Pathogenic (1 of 4 stars; one submission).

Conditions:
Familial cylindromatosis. Also called: ANCELL-SPIEGLER CYLINDROMAS; Turban tumor syndrome. Identifiers: Orphanet 211, Orphanet 79493, MedGen C1851526, MONDO:0007565, OMIM 132700.

Submission:

Genomic Diagnostic Laboratory, Division of Genomic Diagnostics, Children's Hospital of Philadelphia
Classification: Pathogenic for Cylindromatosis, familial. Last evaluated: 2016-09-23. Review status: criteria provided, single submitter. Criteria: DGD Variant Analysis Guidelines. Collection method: clinical testing. Allele origin: germline. Affected: yes. Observed: 1 variant allele.
Comment: Clinical Testing